The following is an entry in ClinVar:

ClinVar aggregate classification (germline): Uncertain significance. Review status: criteria provided, multiple submitters, no conflicts (2 of 4 stars). 2 submissions from 2 submitters: Uncertain significance (2). Last evaluated 2025-04-18.

Allele frequency attached by ClinVar (database versions not stated): ExAC 0.00003; gnomAD 0.00001; TOPMed 0.00001.
gnomAD v4.1: 45 of 1,613,670 alleles (0.0028%); highest among the groups gnomAD compares: Non-Finnish European, 0.0036%; no homozygotes.

Submissions (2):

Ambry Genetics
Classification: Uncertain significance. Last evaluated: 2025-04-18. Review status: criteria provided, single submitter. Criteria: Ambry Variant Classification Scheme 2023. Collection method: clinical testing. Allele origin: germline.

Labcorp Genetics (formerly Invitae), Labcorp
Classification: Uncertain significance. Last evaluated: 2021-09-04. Review status: criteria provided, single submitter. Criteria: Invitae Variant Classification Sherloc (09022015). Collection method: clinical testing. Allele origin: germline.
Comment: This sequence change replaces arginine with proline at codon 11 of the COX6A1 protein (p.Arg11Pro). The arginine residue is weakly conserved and there is a moderate physicochemical difference between arginine and proline. This variant is present in population databases (rs746723756, ExAC 0.005%). This variant has not been reported in the literature in individuals affected with COX6A1-related conditions. Algorithms developed to predict the effect of missense changes on protein structure and function are either unavailable or do not agree on the potential impact of this missense change (SIFT: "Tolerated"; PolyPhen-2: "Not Available"; Align-GVGD: "Class C0"). In summary, the available evidence is currently insufficient to determine the role of this variant in disease. Therefore, it has been classified as a Variant of Uncertain Significance.

NM_004373.4(COX6A1):c.32G>C (p.Arg11Pro)

Gene: COX6A1 (cytochrome c oxidase subunit 6A1; plus strand). Cytogenetic location: 12q24.31.
Variant type: single nucleotide variant.
Coding change: c.32G>C on transcript NM_004373.4 (MANE Select); coding-DNA position 32, G replaced by C.
Protein change: p.Arg11Pro; replaces arginine 11 with proline.
Molecular consequence: missense variant.
Genome position (GRCh38, 1-based): chr12:120,438,158, G>C. VCF-style: chr12-120438158-G-C. GRCh37 (hg19) VCF-style: chr12-120875961-G-C.
Other names: c.32G>C (NM_004373.2); short protein forms R11P.
Identifiers: ClinVar variation 1424359 (VCV001424359.4), dbSNP rs746723756, ClinGen allele CA6827958.